The following is an entry in ClinVar:

NM_003000.3(SDHB):c.569C>T (p.Ala190Val)

Gene: SDHB (succinate dehydrogenase complex iron sulfur subunit B; minus strand). Cytogenetic location: 1p36.13.
Variant type: single nucleotide variant.
Coding change: c.569C>T on transcript NM_003000.3 (MANE Select); coding-DNA position 569, C replaced by T.
Protein change: p.Ala190Val; replaces alanine 190 with valine.
Molecular consequence: missense variant.
Genome position (GRCh38, 1-based): chr1:17,024,046, G>A on the plus strand (C>T on the coding strand, the complement: SDHB is on the minus strand). VCF-style: chr1-17024046-G-A. GRCh37 (hg19) VCF-style: chr1-17350541-G-A.
Other names: c.569C>T (NM_003000.2); short protein forms A190V.
Identifiers: ClinVar variation 1510168 (VCV001510168.13), dbSNP rs201900648, ClinGen allele CA18663206.

ClinVar aggregate classification (germline): Uncertain significance. Review status: criteria provided, multiple submitters, no conflicts (2 of 4 stars). 3 submissions from 3 submitters: Uncertain significance (3). Last evaluated 2026-04-03.

Conditions:
Hereditary cancer-predisposing syndrome. Also called: Tumor predisposition; Neoplastic Syndromes, Hereditary; Hereditary Cancer Syndrome; Hereditary neoplastic syndrome. Identifiers: Orphanet 140162, MedGen C0027672, MeSH D009386, MONDO:0015356.
Pheochromocytoma. Also called: MAX-Related Hereditary Paraganglioma-Pheochromocytoma Syndrome. Identifiers: Orphanet 29072, MedGen C0031511, MONDO:0008233, OMIM 171300, HP:0002666.
Pheochromocytoma/paraganglioma syndrome 4. Also called: PHEOCHROMOCYTOMA, FAMILIAL EXTRAADRENAL; CAROTID BODY TUMORS AND MULTIPLE EXTRAADRENAL PHEOCHROMOCYTOMAS; PARAGANGLIOMA, FAMILIAL MALIGNANT; PARAGANGLIOMAS, HEREDITARY EXTRAADRENAL; Paragangliomas 4; SDHB-Related Hereditary Paraganglioma-Pheochromocytoma Syndrome (Paragangliomas 4). Identifiers: Orphanet 29072, MedGen C1861848, MONDO:0007273, OMIM 115310.
Gastrointestinal stromal tumor. Also called: Gastrointestinal stromal tumor, somatic; Gastrointestinal stroma tumor. Identifiers: Orphanet 44890, MedGen C0238198, MeSH D046152, MONDO:0011719, OMIM 606764, HP:0100723.

Submissions (3):

Ambry Genetics
Classification: Uncertain significance for Hereditary cancer-predisposing syndrome. Last evaluated: 2026-04-03. Review status: criteria provided, single submitter. Criteria: Ambry Variant Classification Scheme 2023. Collection method: clinical testing. Allele origin: germline.
Comment: The p.A190V variant (also known as c.569C>T), located in coding exon 6 of the SDHB gene, results from a C to T substitution at nucleotide position 569. The alanine at codon 190 is replaced by valine, an amino acid with similar properties. This amino acid position is conserved. In addition, this alteration is predicted to be deleterious by in silico analysis. Based on the available evidence, the clinical significance of this variant remains unclear.

Labcorp Genetics (formerly Invitae), Labcorp
Classification: Uncertain significance for Gastrointestinal stromal tumor; Pheochromocytoma/paraganglioma syndrome 4; Pheochromocytoma. Last evaluated: 2024-01-26. Review status: criteria provided, single submitter. Criteria: Invitae Variant Classification Sherloc (09022015). Collection method: clinical testing. Allele origin: germline.
Comment: This sequence change replaces alanine, which is neutral and non-polar, with valine, which is neutral and non-polar, at codon 190 of the SDHB protein (p.Ala190Val). This variant is not present in population databases (gnomAD no frequency). This variant has not been reported in the literature in individuals affected with SDHB-related conditions. ClinVar contains an entry for this variant (Variation ID: 1510168). Advanced modeling of protein sequence and biophysical properties (such as structural, functional, and spatial information, amino acid conservation, physicochemical variation, residue mobility, and thermodynamic stability) performed at Invitae indicates that this missense variant is expected to disrupt SDHB protein function with a positive predictive value of 80%. In summary, the available evidence is currently insufficient to determine the role of this variant in disease. Therefore, it has been classified as a Variant of Uncertain Significance.

Quest Diagnostics Nichols Institute San Juan Capistrano
Classification: Uncertain significance. Last evaluated: 2023-12-06. Review status: criteria provided, single submitter. Criteria: Quest Diagnostics criteria. Collection method: clinical testing. Allele origin: unknown.